The following is an entry in ClinVar:

NM_174936.4(PCSK9):c.1920G>T (p.Gly640=)

Gene: PCSK9 (proprotein convertase subtilisin/kexin type 9; plus strand). Cytogenetic location: 1p32.3.
Variant type: single nucleotide variant.
Coding change: c.1920G>T on transcript NM_174936.4 (MANE Select); coding-DNA position 1920, G replaced by T.
Protein change: p.Gly640=; no amino-acid change (glycine 640 retained).
Molecular consequence: synonymous variant. On other transcripts: non-coding transcript variant (8).
Genome position (GRCh38, 1-based): chr1:55,063,425, G>T. VCF-style: chr1-55063425-G-T. GRCh37 (hg19) VCF-style: chr1-55529098-G-T.
Other names: c.2043G>T, p.Gly681= (NM_001407240.1); c.1962G>T, p.Gly654= (NM_001407241.1); c.1923G>T, p.Gly641= (NM_001407242.1); c.1863G>T, p.Gly621= (NM_001407243.1); c.1746G>T, p.Gly582= (NM_001407244.1); c.1728G>T, p.Gly576= (NM_001407245.1); c.1545G>T, p.Gly515= (NM_001407246.1); c.1419G>T, p.Gly473= (NM_001407247.1).
Identifiers: ClinVar variation 405336 (VCV000405336.2), dbSNP rs1060500658, ClinGen allele CA16610138.
Genomic context (GRCh38, chr1:55,063,425, plus strand): 5'-GCAGGTGACCGTGGCCTGCGAGGAGGGCTGGACCCTGACTGGCTGCAGTGCCCTCCCTGG[G>T]ACCTCCCACGTCCTGGGGGCCTACGCCGTAGACAACACGTGTGTAGTCAGGAGCCGGGAC-3'
Protein context (NP_777596.2, residues 630-650): WTLTGCSALP[Gly640=]TSHVLGAYAV

ClinVar aggregate classification (germline): Uncertain significance (1 of 4 stars; one submission).

Conditions:
Hypercholesterolemia, autosomal dominant, 3 (FHCL3). Also called: Familial Hypercholesterolemia, Autosomal Dominant, 3; Familial hypercholesterolemia 3; PCSK9-Related Familial Hypercholesterolemia, Autosomal Dominant. Identifiers: MedGen C1863551, MONDO:0011369, OMIM 603776.

Submission:

Labcorp Genetics (formerly Invitae), Labcorp
Classification: Uncertain significance for Hypercholesterolemia, autosomal dominant, 3. Last evaluated: 2016-10-25. Review status: criteria provided, single submitter. Criteria: Invitae Variant Classification Sherloc (09022015). Collection method: clinical testing. Allele origin: germline.
Comment: This sequence change affects codon 640 of the PCSK9 mRNA. It is a 'silent' change, meaning that it does not change the encoded amino acid sequence of the PCSK9 protein. This variant is not present in population databases (ExAC no frequency) and has not been reported in the literature in individuals with a PCSK9-related disease. Algorithms developed to predict the effect of sequence changes on RNA splicing suggest that this variant may alter RNA splicing, but this prediction has not been confirmed by published transcriptional studies. In summary, this is a rare silent change with uncertain impact on splicing. It has been classified as a Variant of Uncertain Significance.